The following is an entry in ClinVar:

ClinVar aggregate classification (germline): Uncertain significance (1 of 4 stars; one submission).

Allele frequency attached by ClinVar (database versions not stated): TOPMed 0.00001.
gnomAD v4.1: 5 of 1,614,240 alleles (0.00031%); highest among the groups gnomAD compares: Non-Finnish European, 0.00042%; no homozygotes.

Submission:

Women's Health and Genetics/Laboratory Corporation of America, LabCorp
Classification: Uncertain significance. Last evaluated: 2019-06-18. Review status: criteria provided, single submitter. Criteria: LabCorp Variant Classification Summary - May 2015. Collection method: clinical testing. Allele origin: germline.
Comment: Variant summary: NUP214 c.4522A>G (p.Ser1508Gly) results in a non-conservative amino acid change in the encoded protein sequence. Four of five in-silico tools predict a benign effect of the variant on protein function. The variant allele was found at a frequency of 4e-06 in 251342 control chromosomes. The available data on variant occurrences in the general population are insufficient to allow any conclusion about variant significance. To our knowledge, no occurrence of c.4522A>G in individuals affected with NUP214 Related Disorders and no experimental evidence demonstrating its impact on protein function have been reported. No clinical diagnostic laboratories have submitted clinical-significance assessments for this variant to ClinVar after 2014. Based on the evidence outlined above, the variant was classified as uncertain significance.

NM_005085.4(NUP214):c.4522A>G (p.Ser1508Gly)

Gene: NUP214 (nucleoporin 214; plus strand). Cytogenetic location: 9q34.13.
Variant type: single nucleotide variant.
Coding change: c.4522A>G on transcript NM_005085.4 (MANE Select); coding-DNA position 4522, A replaced by G.
Protein change: p.Ser1508Gly; replaces serine 1508 with glycine.
Molecular consequence: missense variant.
Genome position (GRCh38, 1-based): chr9:131,198,016, A>G. VCF-style: chr9-131198016-A-G. GRCh37 (hg19) VCF-style: chr9-134073403-A-G.
Other names: c.4492A>G, p.Ser1498Gly (NM_001318324.2); c.1000A>G, p.Ser334Gly (NM_001318325.2); short protein forms S1498G, S1508G, S334G.
Identifiers: ClinVar variation 928878 (VCV000928878.1), dbSNP rs967108471, ClinGen allele CA200702872.
Genomic context (GRCh38, chr9:131,198,016, plus strand): 5'-TCCGCTGGCAGAAGCACAGAAGAGGCCACTTCATCAGCTTTGCCTGAGAAGCCAGGTGAC[A>G]GTGAGGTCTCAGCATCAGCAGCCTCACTTCTAGAGGAGCAACAGTCAGCCCAGCTTCCCC-3'
Protein context (NP_005076.3, residues 1498-1518): SSALPEKPGD[Ser1508Gly]EVSASAASLL